The following is an entry in ClinVar:

NM_018419.3(SOX18):c.80G>A (p.Gly27Glu)

Gene: SOX18 (SRY-box transcription factor 18; minus strand). Cytogenetic location: 20q13.33.
Variant type: single nucleotide variant.
Coding change: c.80G>A on transcript NM_018419.3 (MANE Select); coding-DNA position 80, G replaced by A.
Protein change: p.Gly27Glu; replaces glycine 27 with glutamic acid.
Molecular consequence: missense variant.
Genome position (GRCh38, 1-based): chr20:64,049,437, C>T on the plus strand (G>A on the coding strand, the complement: SOX18 is on the minus strand). VCF-style: chr20-64049437-C-T. GRCh37 (hg19) VCF-style: chr20-62680790-C-T.
Other names: short protein forms G27E.
Identifiers: ClinVar variation 1714229 (VCV001714229.5), dbSNP rs1289627201, ClinGen allele CA409756555.

ClinVar aggregate classification (germline): Uncertain significance (1 of 4 stars; one submission).

Allele frequency attached by ClinVar (database versions not stated): TOPMed below 0.00001.

Submission:

Labcorp Genetics (formerly Invitae), Labcorp
Classification: Uncertain significance. Last evaluated: 2022-08-08. Review status: criteria provided, single submitter. Criteria: Invitae Variant Classification Sherloc (09022015). Collection method: clinical testing. Allele origin: germline.
Comment: In summary, the available evidence is currently insufficient to determine the role of this variant in disease. Therefore, it has been classified as a Variant of Uncertain Significance. Algorithms developed to predict the effect of missense changes on protein structure and function are either unavailable or do not agree on the potential impact of this missense change (SIFT: "Tolerated"; PolyPhen-2: "Probably Damaging"; Align-GVGD: "Class C0"). This variant has not been reported in the literature in individuals affected with SOX18-related conditions. The frequency data for this variant in the population databases is considered unreliable, as metrics indicate insufficient coverage at this position in the gnomAD database. This sequence change replaces glycine, which is neutral and non-polar, with glutamic acid, which is acidic and polar, at codon 27 of the SOX18 protein (p.Gly27Glu).